The following is an entry in ClinVar:

ClinVar aggregate classification (germline): Pathogenic/Likely pathogenic. Review status: criteria provided, multiple submitters, no conflicts (2 of 4 stars). 6 submissions from 6 submitters: Pathogenic (4); Likely pathogenic (2). Last evaluated 2025-06-09.

Conditions:
Familial cancer of breast. Also called: BREAST CANCER, FAMILIAL; hereditary breast carcinoma; Hereditary breast cancer. Identifiers: Orphanet 227535, MedGen C0346153, MONDO:0016419, OMIM 114480. Disease mechanism: loss of function.
Hereditary cancer-predisposing syndrome. Also called: Neoplastic Syndromes, Hereditary; Tumor predisposition; Hereditary Cancer Syndrome; Hereditary neoplastic syndrome. Identifiers: Orphanet 140162, MedGen C0027672, MeSH D009386, MONDO:0015356.

Submissions (6):

Labcorp Genetics (formerly Invitae), Labcorp
Classification: Pathogenic for Familial cancer of breast. Last evaluated: 2025-06-09. Review status: criteria provided, single submitter. Criteria: Invitae Variant Classification Sherloc (09022015). Collection method: clinical testing. Allele origin: germline.
Comment: This sequence change creates a premature translational stop signal (p.Leu280Thrfs*4) in the BARD1 gene. It is expected to result in an absent or disrupted protein product. Loss-of-function variants in BARD1 are known to be pathogenic (PMID: 20077502, 21344236). This variant is not present in population databases (gnomAD no frequency). This variant has not been reported in the literature in individuals affected with BARD1-related conditions. ClinVar contains an entry for this variant (Variation ID: 232418). For these reasons, this variant has been classified as Pathogenic.

Ambry Genetics
Classification: Pathogenic for Hereditary cancer-predisposing syndrome. Last evaluated: 2024-06-27. Review status: criteria provided, single submitter. Criteria: Ambry Variant Classification Scheme 2023. Collection method: clinical testing. Allele origin: germline.
Comment: The c.838_839delTT pathogenic mutation, located in coding exon 4 of the BARD1 gene, results from a deletion of two nucleotides at nucleotide positions 838 to 839, causing a translational frameshift with a predicted alternate stop codon (p.L280Tfs*4). This variant is considered to be rare based on population cohorts in the Genome Aggregation Database (gnomAD). This alteration is expected to result in loss of function by premature protein truncation or nonsense-mediated mRNA decay. As such, this alteration is interpreted as a disease-causing mutation.

Baylor Genetics
Classification: Likely pathogenic for Familial cancer of breast. Last evaluated: 2024-03-28. Review status: criteria provided, single submitter. Criteria: ACMG Guidelines, 2015. Collection method: clinical testing. Allele origin: unknown.

Quest Diagnostics Nichols Institute San Juan Capistrano
Classification: Likely pathogenic. Last evaluated: 2024-02-16. Review status: criteria provided, single submitter. Criteria: Quest Diagnostics criteria. Collection method: clinical testing. Allele origin: unknown.
Comment: The BARD1 c.838_839del (p.Leu280Thrfs*4) variant has not been reported in individuals with BARD1-related conditions in the published literature. It also has not been reported in large, multi-ethnic general populations (Genome Aggregation Database). Based on the available information, this variant is classified as likely pathogenic.

Myriad Genetics, Inc.
Classification: Pathogenic for Familial cancer of breast. Last evaluated: 2023-05-19. Review status: criteria provided, single submitter. Criteria: Myriad Autosomal Dominant, Autosomal Recessive and X-Linked Classification Criteria (2023). Collection method: clinical testing. Allele origin: unknown.
Comment: This variant is considered pathogenic. This variant creates a frameshift predicted to result in premature protein truncation.

GeneDx
Classification: Pathogenic. Last evaluated: 2017-08-03. Review status: criteria provided, single submitter. Criteria: GeneDx Variant Classification (06012015). Collection method: clinical testing. Allele origin: germline. Affected: yes.
Comment: This deletion of two nucleotides in BARD1 is denoted c.838_839delTT at the cDNA level and p.Leu280ThrfsX4 (L280TfsX4) at the protein level. The normal sequence, with the bases that are deleted in brackets, is CTCT[delTT]ACCA. The deletion causes a frameshift which changes a Leucine to a Threonine at codon 280, and creates a premature stop codon at position 4 of the new reading frame. Although this variant has not, to our knowledge, been reported in the literature, it is predicted to cause loss of normal protein function through protein truncation. We consider this variant to be pathogenic.

Literature cited by the submitters: PubMed 20077502 (cited by Labcorp Genetics (formerly Invitae), Labcorp); PubMed 21344236 (cited by Labcorp Genetics (formerly Invitae), Labcorp).

NM_000465.4(BARD1):c.838_839del (p.Leu280fs)

Gene: BARD1 (BRCA1 associated RING domain 1; minus strand). Cytogenetic location: 2q35.
Variant type: Deletion.
Coding change: c.838_839del on transcript NM_000465.4 (MANE Select); coding-DNA positions 838 to 839, 2 bases deleted (TT; older notation c.838_839delTT).
Protein change: p.Leu280fs; shifts the reading frame from leucine 280.
Molecular consequence: frameshift variant. On other transcripts: non-coding transcript variant (2), intron variant (3).
Genome position (GRCh38, 1-based): chr2:214,781,035-214,781,036, AA deleted on the plus strand (TT on the coding strand, the reverse complement: BARD1 is on the minus strand); deleting any 2 consecutive bases within chr2:214,781,035-214,781,037 gives the same sequence; the c. name uses the placement nearest the transcript's 3' end. VCF-style (leftmost placement, unchanged base first): chr2-214781034-TAA-T. GRCh37 (hg19) VCF-style: chr2-215645758-TAA-T.
Other names: c.781_782del, p.Leu261fs (NM_001282543.2); c.158+28376_158+28377del (NM_001282548.2); c.215+16025_215+16026del (NM_001282545.2); c.364+11261_364+11262del (NM_001282549.2); short protein forms L261fs, L280fs.
Identifiers: ClinVar variation 232418 (VCV000232418.20), dbSNP rs876659752, ClinGen allele CA10577831.